The following is an entry in ClinVar:

NM_213655.5(WNK1):c.3481C>T (p.Pro1161Ser)

Gene: WNK1 (WNK lysine deficient protein kinase 1; plus strand). Cytogenetic location: 12p13.33.
Variant type: single nucleotide variant.
Coding change: c.3481C>T on transcript NM_213655.5 (MANE Plus Clinical); coding-DNA position 3481, C replaced by T.
Protein change: p.Pro1161Ser; replaces proline 1161 with serine.
Molecular consequence: missense variant. On other transcripts: intron variant (2).
Genome position (GRCh38, 1-based): chr12:868,952, C>T. VCF-style: chr12-868952-C-T. GRCh37 (hg19) VCF-style: chr12-978118-C-T.
Other names: c.3226C>T, p.Pro1076Ser (NM_001184985.2); c.2140-2313C>T (NM_018979.4, NM_014823.3); short protein forms P1076S, P1161S.
Identifiers: ClinVar variation 2663502 (VCV002663502.1), dbSNP rs2548805474, ClinGen allele CA383342189.
Genomic context (GRCh38, chr12:868,952, plus strand): 5'-ATCACTTCTTCAGACCCCAGTGATTTTCAGTCACCTCCCCCTACAGGGGGAGCAGCTGCA[C>T]CTTTTGGCTCTGACGTCTCAATGCCCTTTATCCATCTGCCTCAGACAGTGTTACAAGAAT-3'
Protein context (NP_998820.3, residues 1151-1171): SPPPTGGAAA[Pro1161Ser]FGSDVSMPFI

ClinVar aggregate classification (germline): Uncertain significance (1 of 4 stars; one submission).

Allele frequency attached by ClinVar (database versions not stated): gnomAD exomes below 0.00001.
gnomAD v4.1: 1 of 1,588,352 alleles (0.000063%); highest among the groups gnomAD compares: Non-Finnish European, 0.000086%; no homozygotes.

Submission:

GeneDx
Classification: Uncertain significance. Last evaluated: 2023-04-28. Review status: criteria provided, single submitter. Criteria: GeneDx Variant Classification Process June 2021. Collection method: clinical testing. Allele origin: germline. Affected: yes.
Comment: Not observed at significant frequency in large population cohorts (gnomAD); In silico analysis supports that this missense variant does not alter protein structure/function; Has not been previously published as pathogenic or benign to our knowledge